The following is an entry in ClinVar:

NM_000834.5(GRIN2B):c.3137G>T (p.Ser1046Ile)

Gene: GRIN2B (glutamate ionotropic receptor NMDA type subunit 2B; minus strand). Cytogenetic location: 12p13.1.
Variant type: single nucleotide variant.
Coding change: c.3137G>T on transcript NM_000834.5 (MANE Select); coding-DNA position 3137, G replaced by T.
Protein change: p.Ser1046Ile; replaces serine 1046 with isoleucine.
Molecular consequence: missense variant.
Genome position (GRCh38, 1-based): chr12:13,564,101, C>A on the plus strand (G>T on the coding strand, the complement: GRIN2B is on the minus strand). VCF-style: chr12-13564101-C-A. GRCh37 (hg19) VCF-style: chr12-13717035-C-A.
Other names: short protein forms S1046I.
Identifiers: ClinVar variation 246124 (VCV000246124.4), dbSNP rs201029083, ClinGen allele CA6460941.

ClinVar aggregate classification (germline): Conflicting classifications of pathogenicity. Review status: criteria provided, conflicting classifications (1 of 4 stars). 2 submissions from 2 submitters: Uncertain significance (1); Likely benign (1). Last evaluated 2020-02-06.

Allele frequency attached by ClinVar (database versions not stated): gnomAD exomes below 0.00001 and 0.00001; TOPMed below 0.00001; ExAC 0.00001; gnomAD 0.00001.
gnomAD v4.1: 14 of 1,614,020 alleles (0.00087%); highest among the groups gnomAD compares: Non-Finnish European, 0.0012%; no homozygotes.

Submissions (2):

GeneDx
Classification: Uncertain significance. Last evaluated: 2020-02-06. Review status: criteria provided, single submitter. Criteria: GeneDx Variant Classification Process June 2021. Collection method: clinical testing. Allele origin: germline. Affected: yes.
Comment: In silico analysis supports that this missense variant has a deleterious effect on protein structure/function; Has not been previously published as pathogenic or benign to our knowledge

Blueprint Genetics
Classification: Likely benign. Last evaluated: 2018-09-01. Review status: criteria provided, single submitter. Criteria: ACMG Guidelines, 2015. Collection method: clinical testing. Allele origin: germline.